The following is an entry in ClinVar:

ClinVar aggregate classification (germline): Conflicting classifications of pathogenicity. Review status: criteria provided, conflicting classifications (1 of 4 stars). 12 submissions from 9 submitters: Uncertain significance (4); Benign (2); Likely benign (5). 1 of the submissions does not count toward it. Last evaluated 2026-09-01.

Conditions:
Hyperinsulinemic hypoglycemia, familial, 1 (HHF1). Also called: Persistent Hyperinsulinemia Hypoglycemia of Infancy; NESIDIOBLASTOSIS OF PANCREAS; Persistent hyperinsulinemic hypoglycemia of infancy; HYPERINSULINISM, FAMILIAL, WITH PANCREATIC NESIDIOBLASTOSIS; HYPOGLYCEMIA, HYPERINSULINEMIC, OF INFANCY. Identifiers: Orphanet 276575, Orphanet 276598, MedGen C2931832, MONDO:0009734, OMIM 256450.
Diabetes mellitus, transient neonatal, 2 (TNDM2). Identifiers: Orphanet 99886, MedGen C1835887, MONDO:0012480, OMIM 610374. Disease mechanism: loss of function.
Transitory neonatal diabetes mellitus. Also called: Transient neonatal diabetes mellitus. Identifiers: MedGen C0342273, MONDO:0020525, HP:0008255.
Maturity-onset diabetes of the young (MODY). Also called: Maturity onset diabetes mellitus in young. Identifiers: Orphanet 552, MedGen C0342276, MONDO:0018911, HP:0004904.
Permanent neonatal diabetes mellitus (PNDM). Identifiers: Orphanet 99885, MedGen C1833104, MONDO:0100164, MONDO:0011643. Disease mechanism: gain of function.

Allele frequency attached by ClinVar (database versions not stated): gnomAD exomes 0.00085; ExAC 0.00096; 1000 Genomes Project 0.00140; 1000 Genomes Project 30x 0.00156; TOPMed 0.00156; gnomAD 0.00159 and 0.00160; ESP Exome Variant Server 0.00193.
gnomAD v4.1: 1,882 of 1,614,152 alleles (0.12%); highest among the groups gnomAD compares: African/African-American, 0.27%; 1 homozygote.

Submissions (12):

CeGaT Center for Human Genetics Tuebingen
Classification: Likely benign. Last evaluated: 2026-09-01. Review status: criteria provided, single submitter. Criteria: CeGaT Center For Human Genetics Tuebingen Variant Classification Criteria Version 2. Collection method: clinical testing. Allele origin: germline. Affected: yes. Observed: 2 variant alleles.
Comment: ABCC8: BP4, BS1

Labcorp Genetics (formerly Invitae), Labcorp
Classification: Benign. Last evaluated: 2026-01-28. Review status: criteria provided, single submitter. Criteria: Invitae Variant Classification Sherloc (09022015). Collection method: clinical testing. Allele origin: germline.

Blueprint Genetics
Classification: Likely benign. Last evaluated: 2024-11-27. Review status: criteria provided, single submitter. Criteria: ACMG Guidelines, 2015. Collection method: clinical testing. Allele origin: germline.

Women's Health and Genetics/Laboratory Corporation of America, LabCorp
Classification: Likely benign. Last evaluated: 2024-03-28. Review status: criteria provided, single submitter. Criteria: LabCorp Variant Classification Summary - May 2015. Collection method: clinical testing. Allele origin: germline.
Comment: Variant summary: ABCC8 c.3399+13G>A alters a nucleotide located at a position not widely known to affect splicing. Consensus agreement among computation tools predict no significant impact on normal splicing. However, these predictions have yet to be confirmed by functional studies. The variant allele was found at a frequency of 0.00085 in 251690 control chromosomes, predominantly at a frequency of 0.0026 within the African or African-American subpopulation in the gnomAD database. This frequency is not significantly higher than estimated for a pathogenic variant in ABCC8 causing Familial Hyperinsulinism (0.00085 vs 0.0034), allowing no conclusion about variant significance. c.3399+13G>A has been reported in the literature in individuals affected with Hyperinsulinism without confirmation of cosegregation with the disease (Nestorowicz_1998, Snider_2013). These reports do not provide unequivocal conclusions about association of the variant with Familial Hyperinsulinism. To our knowledge, no experimental evidence demonstrating an impact on protein function has been reported. The following publications have been ascertained in the context of this evaluation (PMID: 9618169, 12941782, 10338089, 23275527). ClinVar contains an entry for this variant (Variation ID: 303764). Based on the evidence outlined above, the variant was classified as likely benign.

GeneDx
Classification: Likely benign. Last evaluated: 2019-04-08. Review status: criteria provided, single submitter. Criteria: GeneDx Variant Classification Process June 2021. Collection method: clinical testing. Allele origin: germline. Affected: yes.
Comment: This variant is associated with the following publications: (PMID: 23275527)

Illumina Laboratory Services, Illumina
Classification: Uncertain significance for Hyperinsulinemic hypoglycemia, familial, 1. Last evaluated: 2018-01-13. Review status: criteria provided, single submitter. Criteria: ICSL Variant Classification Criteria 13 December 2019. Collection method: clinical testing. Allele origin: germline.

Illumina Laboratory Services, Illumina
Classification: Benign for Diabetes mellitus, transient neonatal, 2. Last evaluated: 2018-01-13. Review status: criteria provided, single submitter. Criteria: ICSL Variant Classification Criteria 13 December 2019. Collection method: clinical testing. Allele origin: germline.
Comment: This variant was observed in the ICSL laboratory as part of a predisposition screen in an ostensibly healthy population. It had not been previously curated by ICSL or reported in the Human Gene Mutation Database (HGMD: prior to June 1st, 2018), and was therefore a candidate for classification through an automated scoring system. Utilizing variant allele frequency, disease prevalence and penetrance estimates, and inheritance mode, an automated score was calculated to assess if this variant is too frequent to cause the disease. Based on the score and internal cut-off values, a variant classified as benign is not then subjected to further curation. The score for this variant resulted in a classification of benign for this disease.

Illumina Laboratory Services, Illumina
Classification: Uncertain significance for Permanent neonatal diabetes mellitus 1. Last evaluated: 2018-01-13. Review status: criteria provided, single submitter. Criteria: ICSL Variant Classification Criteria 13 December 2019. Collection method: clinical testing. Allele origin: germline.

Laboratory for Molecular Medicine, Mass General Brigham Personalized Medicine
Classification: Likely benign. Last evaluated: 2016-03-28. Review status: criteria provided, single submitter. Criteria: LMM Criteria. Collection method: clinical testing. Allele origin: germline.
Comment: Variant identified in a genome or exome case(s) and assessed due to predicted null impact of the variant or pathogenic assertions in the literature or databases. Disclaimer: This variant has not undergone full assessment. The following are preliminary notes: do not add due to classification

Clinical Genomics, Uppaluri K&H Personalized Medicine Clinic
Classification: Uncertain significance for Maturity-onset diabetes of the young. Review status: criteria provided, single submitter. Criteria: K & H Uppaluri Personalized Medicine Clinic Variant Classification & Assertion Criteria_Updated V.1. Collection method: research. Allele origin: somatic. Inheritance: Somatic mutation.
Comment: Mutations in ABCC8 gene are associated with both neonatal diabetes mellitus as well as MODY. Patients with this mutation may have a better response to sulfonylureas. However, no sufficient evidence is found to ascertain the role of this particular variant (rs182340196) in MODY yet.

Clinical Genomics, Uppaluri K&H Personalized Medicine Clinic
Classification: Uncertain significance for Transitory neonatal diabetes mellitus. Review status: criteria provided, single submitter. Criteria: K & H Uppaluri Personalized Medicine Clinic Variant Classification & Assertion Criteria_Updated V.1. Collection method: research. Allele origin: somatic. Inheritance: Somatic mutation.
Comment: Mutations in ABCC8 gene are associated with both neonatal diabetes mellitus as well as MODY. Patients with this mutation may have a better response to sulfonylureas. However, no sufficient evidence is found to ascertain the role of this particular variant ( rs182340196) in neonatal diabetes yet.

Counsyl
Classification: Uncertain significance for Hyperinsulinemic hypoglycemia, familial, 1. Last evaluated: 2018-01-19. Review status: no assertion criteria provided. Collection method: clinical testing. Allele origin: unknown. Not counted in ClinVar's aggregate classification.

Literature cited by the submitters: PubMed 9618169 (cited by Women's Health and Genetics/Laboratory Corporation of America, LabCorp and Counsyl); PubMed 12941782 (cited by Women's Health and Genetics/Laboratory Corporation of America, LabCorp); PubMed 10338089 (cited by Women's Health and Genetics/Laboratory Corporation of America, LabCorp); PubMed 23275527 (cited by Women's Health and Genetics/Laboratory Corporation of America, LabCorp and Counsyl); PubMed 16885549 (cited by Clinical Genomics, Uppaluri K&H Personalized Medicine Clinic); PubMed 21989597 (cited by Clinical Genomics, Uppaluri K&H Personalized Medicine Clinic); PubMed 27538677 (cited by Clinical Genomics, Uppaluri K&H Personalized Medicine Clinic); PubMed 18981553 (cited by Clinical Genomics, Uppaluri K&H Personalized Medicine Clinic); PubMed 32027066 (cited by Clinical Genomics, Uppaluri K&H Personalized Medicine Clinic); PubMed 16613899 (cited by Clinical Genomics, Uppaluri K&H Personalized Medicine Clinic); PubMed 18025408 (cited by Clinical Genomics, Uppaluri K&H Personalized Medicine Clinic); PubMed 32792356 (cited by Clinical Genomics, Uppaluri K&H Personalized Medicine Clinic).

NM_000352.6(ABCC8):c.3399+13G>A

Gene: ABCC8 (ATP binding cassette subfamily C member 8; minus strand). Cytogenetic location: 11p15.1.
Variant type: single nucleotide variant.
Coding change: c.3399+13G>A on transcript NM_000352.6 (MANE Select); 13 bases into the intron after coding-DNA position 3399, G replaced by A.
Molecular consequence: intron variant.
Genome position (GRCh38, 1-based): chr11:17,405,481, C>T on the plus strand (G>A on the coding strand, the complement: ABCC8 is on the minus strand). VCF-style: chr11-17405481-C-T. GRCh37 (hg19) VCF-style: chr11-17427028-C-T.
Other names: c.3396+13G>A (NM_001351297.2); c.3399+13G>A (NM_001351296.2, NM_000352.4); c.3465+13G>A (NM_001351295.2); c.3402+13G>A (NM_001287174.3).
Identifiers: ClinVar variation 303764 (VCV000303764.34), dbSNP rs182340196, ClinGen allele CA5902838.